The following is an entry in ClinVar:

NM_017617.5(NOTCH1):c.1951G>T (p.Asp651Tyr)

Gene: NOTCH1 (notch receptor 1; minus strand). Cytogenetic location: 9q34.3.
Variant type: single nucleotide variant.
Coding change: c.1951G>T on transcript NM_017617.5 (MANE Select); coding-DNA position 1951, G replaced by T.
Protein change: p.Asp651Tyr; replaces aspartic acid 651 with tyrosine.
Molecular consequence: missense variant.
Genome position (GRCh38, 1-based): chr9:136,515,353, C>A on the plus strand (G>T on the coding strand, the complement: NOTCH1 is on the minus strand). VCF-style: chr9-136515353-C-A. GRCh37 (hg19) VCF-style: chr9-139409805-C-A.
Other names: short protein forms D651Y.
Identifiers: ClinVar variation 2325604 (VCV002325604.4), dbSNP rs1182867386, ClinGen allele CA375559256.

ClinVar aggregate classification (germline): Uncertain significance. Review status: criteria provided, multiple submitters, no conflicts (2 of 4 stars). 2 submissions from 2 submitters: Uncertain significance (2). Last evaluated 2026-06-12.

Conditions:
Familial thoracic aortic aneurysm and aortic dissection (TAAD). Also called: Thoracic aortic aneurysms and dissections. Identifiers: Orphanet 91387, MedGen C4707243, MONDO:0019625.

Allele frequency attached by ClinVar (database versions not stated): gnomAD 0.00001.
gnomAD v4.1: 6 of 1,612,932 alleles (0.00037%); highest among the groups gnomAD compares: South Asian, 0.0011%; no homozygotes.

Submissions (2):

Ambry Genetics
Classification: Uncertain significance for Familial thoracic aortic aneurysm and aortic dissection. Last evaluated: 2026-06-12. Review status: criteria provided, single submitter. Criteria: Ambry Variant Classification Scheme 2023. Collection method: clinical testing. Allele origin: germline.
Comment: The p.D651Y variant (also known as c.1951G>T), located in coding exon 12 of the NOTCH1 gene, results from a G to T substitution at nucleotide position 1951. The aspartic acid at codon 651 is replaced by tyrosine, an amino acid with highly dissimilar properties. This amino acid position is conserved. In addition, the in silico prediction for this alteration is inconclusive. Based on the available evidence, the clinical significance of this variant remains unclear.

GeneDx
Classification: Uncertain significance. Last evaluated: 2023-03-27. Review status: criteria provided, single submitter. Criteria: GeneDx Variant Classification Process June 2021. Collection method: clinical testing. Allele origin: germline. Affected: yes.
Comment: Not observed at significant frequency in large population cohorts (gnomAD); In silico analysis supports that this missense variant has a deleterious effect on protein structure/function; Has not been previously published as pathogenic or benign to our knowledge